The following is an entry in ClinVar:

ClinVar aggregate classification (germline): Uncertain significance (1 of 4 stars; one submission).

Conditions:
Familial cancer of breast. Also called: hereditary breast carcinoma; Hereditary breast cancer; BREAST CANCER, FAMILIAL. Identifiers: Orphanet 227535, MedGen C0346153, MONDO:0016419, OMIM 114480. Disease mechanism: loss of function.

Submission:

Labcorp Genetics (formerly Invitae), Labcorp
Classification: Uncertain significance for Familial cancer of breast. Last evaluated: 2020-02-06. Review status: criteria provided, single submitter. Criteria: Invitae Variant Classification Sherloc (09022015). Collection method: clinical testing. Allele origin: germline.
Comment: In summary, the available evidence is currently insufficient to determine the role of this variant in disease. Therefore, it has been classified as a Variant of Uncertain Significance. Algorithms developed to predict the effect of missense changes on protein structure and function are either unavailable or do not agree on the potential impact of this missense change (SIFT: "Deleterious"; PolyPhen-2: "Probably Damaging"; Align-GVGD: "Class C0"). This variant has not been reported in the literature in individuals with CHEK2-related conditions. This variant is not present in population databases (ExAC no frequency). This sequence change replaces cysteine with arginine at codon 284 of the CHEK2 protein (p.Cys284Arg). The cysteine residue is highly conserved and there is a large physicochemical difference between cysteine and arginine.

NM_007194.4(CHEK2):c.850T>C (p.Cys284Arg)

Gene: CHEK2 (checkpoint kinase 2; minus strand). Cytogenetic location: 22q12.1.
Variant type: single nucleotide variant.
Coding change: c.850T>C on transcript NM_007194.4 (MANE Select); coding-DNA position 850, T replaced by C.
Protein change: p.Cys284Arg; replaces cysteine 284 with arginine.
Molecular consequence: missense variant.
Genome position (GRCh38, 1-based): chr22:28,703,563, A>G on the plus strand (T>C on the coding strand, the complement: CHEK2 is on the minus strand). VCF-style: chr22-28703563-A-G. GRCh37 (hg19) VCF-style: chr22-29099551-A-G.
Other names: c.979T>C, p.Cys327Arg (NM_001005735.3); c.187T>C, p.Cys63Arg (NM_001257387.3); c.649T>C, p.Cys217Arg (NM_001349956.3); c.850T>C, p.Cys284Arg (NM_145862.3); short protein forms C284R, C327R, C217R, C63R.
Identifiers: ClinVar variation 1043496 (VCV001043496.10), dbSNP rs2052982636, ClinGen allele CA411101367.
Genomic context (GRCh38, chr22:28,703,563, plus strand): 5'-ACAATTCCAAAACAATATAATAATCTTCTGCATCAAAAAAGTTTTTAATCTTGATGATGC[A>G]AGGCTAAGAAGAGGGGGAGAAAAAAGGGAAAGTAGTGAGAAACTCCCAAGAGGAAAACCA-3'
Protein context (NP_009125.1, residues 274-294): IEILKKLNHP[Cys284Arg]IIKIKNFFDA